The following is an entry in ClinVar:

NM_031206.7(LAS1L):c.1860C>T (p.Ala620=)

Gene: LAS1L (LAS1 like ribosome biogenesis factor; minus strand). Cytogenetic location: Xq12.
Variant type: single nucleotide variant.
Coding change: c.1860C>T on transcript NM_031206.7 (MANE Select); coding-DNA position 1860, C replaced by T.
Protein change: p.Ala620=; no amino-acid change (alanine 620 retained).
Molecular consequence: synonymous variant. On other transcripts: non-coding transcript variant (1).
Genome position (GRCh38, 1-based): chrX:65,518,054, G>A on the plus strand (C>T on the coding strand, the complement: LAS1L is on the minus strand). VCF-style: chrX-65518054-G-A. GRCh37 (hg19) VCF-style: chrX-64737934-G-A.
Other names: c.1809C>T, p.Ala603= (NM_001170649.2, NM_001375333.1); c.1683C>T, p.Ala561= (NM_001170650.2); c.1860C>T, p.Ala620= (NM_001375328.1); c.903C>T, p.Ala301= (NM_001375332.1).
Identifiers: ClinVar variation 1572603 (VCV001572603.31), dbSNP rs374883101, ClinGen allele CA10433867.

ClinVar aggregate classification (germline): Likely benign. Review status: criteria provided, multiple submitters, no conflicts (2 of 4 stars). 2 submissions from 2 submitters: Likely benign (2). Last evaluated 2025-06-18.

Conditions:
Wilson-Turner syndrome (WTS). Also called: INTELLECTUAL DEVELOPMENTAL DISORDER, X-LINKED, SYNDROMIC, WILSON-TURNER TYPE; MENTAL RETARDATION, X-LINKED, SYNDROMIC 6. Identifiers: Orphanet 3459, MedGen C1839736, MONDO:0010665, OMIM 309585.

Allele frequency attached by ClinVar (database versions not stated): gnomAD 0.00006 and 0.00007; TOPMed 0.00006; ESP Exome Variant Server 0.00009; gnomAD exomes 0.00011 and 0.00012; ExAC 0.00017.
gnomAD v4.1: 140 of 1,210,254 alleles (0.012%); highest among the groups gnomAD compares: Non-Finnish European, 0.013%; no homozygotes.

Submissions (2):

Labcorp Genetics (formerly Invitae), Labcorp
Classification: Likely benign for Wilson-Turner syndrome. Last evaluated: 2025-06-18. Review status: criteria provided, single submitter. Criteria: Invitae Variant Classification Sherloc (09022015). Collection method: clinical testing. Allele origin: germline.

CeGaT Center for Human Genetics Tuebingen
Classification: Likely benign. Last evaluated: 2024-09-01. Review status: criteria provided, single submitter. Criteria: CeGaT Center For Human Genetics Tuebingen Variant Classification Criteria Version 2. Collection method: clinical testing. Allele origin: germline. Affected: yes. Observed: 2 variant alleles.
Comment: LAS1L: BP4, BP7, BS2